The following is an entry in ClinVar:

ClinVar aggregate classification (germline): Uncertain significance (1 of 4 stars; one submission).

Conditions:
Hereditary cancer-predisposing syndrome. Also called: Neoplastic Syndromes, Hereditary; Tumor predisposition; Hereditary neoplastic syndrome; Hereditary Cancer Syndrome. Identifiers: Orphanet 140162, MedGen C0027672, MeSH D009386, MONDO:0015356.

Submission:

Ambry Genetics
Classification: Uncertain significance for Hereditary cancer-predisposing syndrome. Last evaluated: 2026-06-29. Review status: criteria provided, single submitter. Criteria: Ambry Variant Classification Scheme 2023. Collection method: clinical testing. Allele origin: germline.
Comment: The c.1341-5T>G intronic variant results from a T to G substitution 5 nucleotides upstream from coding exon 9 in the MSH3 gene. This nucleotide position is highly conserved in available vertebrate species. In silico splice site analysis for this alteration is inconclusive. Based on the available evidence, the clinical significance of this variant remains unclear.

NM_002439.5(MSH3):c.1341-5T>G

Gene: MSH3 (mutS homolog 3; plus strand). Cytogenetic location: 5q14.1.
Variant type: single nucleotide variant.
Coding change: c.1341-5T>G on transcript NM_002439.5 (MANE Select); 5 bases into the intron before coding-DNA position 1341, T replaced by G.
Molecular consequence: intron variant.
Genome position (GRCh38, 1-based): chr5:80,725,448, T>G. VCF-style: chr5-80725448-T-G. GRCh37 (hg19) VCF-style: chr5-80021267-T-G.
Identifiers: ClinVar variation 5024748 (VCV005024748.1).